The following is an entry in ClinVar:

NM_152743.4(BRAT1):c.1319C>T (p.Thr440Ile)

Gene: BRAT1 (BRCA1 associated ATM activator 1; minus strand). Cytogenetic location: 7p22.3.
Variant type: single nucleotide variant.
Coding change: c.1319C>T on transcript NM_152743.4 (MANE Select); coding-DNA position 1319, C replaced by T.
Protein change: p.Thr440Ile; replaces threonine 440 with isoleucine.
Molecular consequence: missense variant. On other transcripts: non-coding transcript variant (1).
Genome position (GRCh38, 1-based): chr7:2,541,300, G>A on the plus strand (C>T on the coding strand, the complement: BRAT1 is on the minus strand). VCF-style: chr7-2541300-G-A. GRCh37 (hg19) VCF-style: chr7-2580934-G-A.
Other names: c.1319C>T, p.Thr440Ile (NM_001350626.2); c.794C>T, p.Thr265Ile (NM_001350627.2); short protein forms T265I, T440I.
Identifiers: ClinVar variation 640308 (VCV000640308.8), dbSNP rs1242351351, ClinGen allele CA366628880.

ClinVar aggregate classification (germline): Uncertain significance (1 of 4 stars; one submission).

Conditions:
Neonatal-onset encephalopathy with rigidity and seizures. Also called: Lethal neonatal spasticity-epileptic encephalopathy syndrome. Identifiers: Orphanet 435845, MedGen C3281029, MONDO:0013784, OMIM 614498.

Allele frequency attached by ClinVar (database versions not stated): gnomAD exomes below 0.00001; gnomAD 0.00001.

Submission:

Labcorp Genetics (formerly Invitae), Labcorp
Classification: Uncertain significance for Neonatal-onset encephalopathy with rigidity and seizures. Last evaluated: 2018-12-11. Review status: criteria provided, single submitter. Criteria: Invitae Variant Classification Sherloc (09022015). Collection method: clinical testing. Allele origin: germline.
Comment: This sequence change replaces threonine with isoleucine at codon 440 of the BRAT1 protein (p.Thr440Ile). The threonine residue is moderately conserved and there is a moderate physicochemical difference between threonine and isoleucine. This variant is not present in population databases (ExAC no frequency). This variant has not been reported in the literature in individuals with BRAT1-related conditions. Algorithms developed to predict the effect of missense changes on protein structure and function output the following: SIFT: "Tolerated"; PolyPhen-2: "Benign"; Align-GVGD: "Class C0". The isoleucine amino acid residue is found in multiple mammalian species, suggesting that this missense change does not adversely affect protein function. These predictions have not been confirmed by published functional studies and their clinical significance is uncertain. In summary, the available evidence is currently insufficient to determine the role of this variant in disease. Therefore, it has been classified as a Variant of Uncertain Significance.